The following is an entry in ClinVar:

ClinVar aggregate classification (germline): Pathogenic (1 of 4 stars; one submission).

Conditions:
VPS13A-related neurodegenerative disease. Also called: ACANTHOCYTOSIS WITH NEUROLOGIC DISORDER; LEVINE-CRITCHLEY SYNDROME; Choreoacanthocytosis; Chorea-acanthocytosis; Choreaacanthocytosis; VPS13A Disease. Identifiers: Orphanet 2388, MedGen C0393576, MONDO:0008695, OMIM 200150.

Submission:

Myriad Genetics, Inc.
Classification: Pathogenic for VPS13A-related neurodegenerative disease. Last evaluated: 2024-05-14. Review status: criteria provided, single submitter. Criteria: Myriad Autosomal Dominant, Autosomal Recessive and X-Linked Classification Criteria (2023). Collection method: clinical testing. Allele origin: unknown.
Comment: NM_033305.2(VPS13A):c.2226_2227ins17(P743Dfs*23) is expected to be pathogenic in the context of VPS13A disease. This variant is predicted to lead to an abnormal or absent protein product due to the creation of a premature termination codon in VPS13A, a gene where loss-of-function variants are known to be pathogenic. Please note: this variant was assessed in the context of healthy population screening.

NM_033305.3(VPS13A):c.2226_2227insGATATATTTGGTAGATA (p.Pro743fs)

Gene: VPS13A (vacuolar protein sorting 13 homolog A; plus strand). Cytogenetic location: 9q21.2.
Variant type: Insertion.
Coding change: c.2226_2227insGATATATTTGGTAGATA on transcript NM_033305.3 (MANE Select); coding-DNA positions 2226 to 2227, GATATATTTGGTAGATA inserted.
Protein change: p.Pro743fs; shifts the reading frame from proline 743.
Molecular consequence: frameshift variant.
Genome position: GRCh38 VCF-style: chr9-77252288-G-GTAGATATATTTGGTAGA. GRCh37 (hg19) VCF-style: chr9-79867204-G-GTAGATATATTTGGTAGA.
Other names: c.2226_2227insGATATATTTGGTAGATA, p.Pro743fs (NM_001018037.2, NM_001018038.3, NM_015186.4); short protein forms P743fs.
Identifiers: ClinVar variation 5010646 (VCV005010646.1).